The following is an entry in ClinVar:

NM_024740.2(ALG9):c.790-11C>T

Gene: ALG9 (ALG9 alpha-1,2-mannosyltransferase; minus strand). Cytogenetic location: 11q23.1.
Variant type: single nucleotide variant.
Coding change: c.790-11C>T on transcript NM_024740.2 (MANE Select); 11 bases into the intron before coding-DNA position 790, C replaced by T.
Molecular consequence: intron variant.
Genome position (GRCh38, 1-based): chr11:111,853,496, G>A on the plus strand (C>T on the coding strand, the complement: ALG9 is on the minus strand). VCF-style: chr11-111853496-G-A. GRCh37 (hg19) VCF-style: chr11-111724219-G-A.
Other names: c.277-11C>T (NM_001352409.1, NM_001352410.1, NM_001352413.1 and 11 more transcripts); c.790-11C>T (NM_001352418.1, NM_001352417.1, NM_001077690.1); c.202-11C>T (NM_001352422.2).
Identifiers: ClinVar variation 385426 (VCV000385426.10), dbSNP rs188241987, ClinGen allele CA6274556.

ClinVar aggregate classification (germline): Benign/Likely benign. Review status: criteria provided, multiple submitters, no conflicts (2 of 4 stars). 3 submissions from 3 submitters: Benign (1); Likely benign (2). Last evaluated 2026-01-26.

Conditions:
ALG9 congenital disorder of glycosylation (CDG1L). Also called: CONGENITAL DISORDER OF GLYCOSYLATION, TYPE Il; CDG Il; ALG9-CDG. Identifiers: Orphanet 79328, MedGen C2931006, MONDO:0012117, OMIM 608776.

Allele frequency attached by ClinVar (database versions not stated): 1000 Genomes Project 30x 0.00047; 1000 Genomes Project 0.00060; gnomAD exomes 0.00146 and 0.00249; ExAC 0.00147; gnomAD 0.00148 and 0.00152; TOPMed 0.00153; ESP Exome Variant Server 0.00176.

Submissions (3):

Labcorp Genetics (formerly Invitae), Labcorp
Classification: Benign for ALG9 congenital disorder of glycosylation. Last evaluated: 2026-01-26. Review status: criteria provided, single submitter. Criteria: Invitae Variant Classification Sherloc (09022015). Collection method: clinical testing. Allele origin: germline.

Blueprint Genetics
Classification: Likely benign. Last evaluated: 2024-11-18. Review status: criteria provided, single submitter. Criteria: ACMG Guidelines, 2015. Collection method: clinical testing. Allele origin: germline.

GeneDx
Classification: Likely benign. Last evaluated: 2017-10-02. Review status: criteria provided, single submitter. Criteria: GeneDx Variant Classification (06012015). Collection method: clinical testing. Allele origin: germline. Affected: yes.
Comment: This variant is considered likely benign or benign based on one or more of the following criteria: it is a conservative change, it occurs at a poorly conserved position in the protein, it is predicted to be benign by multiple in silico algorithms, and/or has population frequency not consistent with disease.